The following is an entry in ClinVar:

NM_138387.4(G6PC3):c.929A>G (p.Tyr310Cys)

Gene: G6PC3 (glucose-6-phosphatase catalytic subunit 3; plus strand). Cytogenetic location: 17q21.31.
Variant type: single nucleotide variant.
Coding change: c.929A>G on transcript NM_138387.4 (MANE Select); coding-DNA position 929, A replaced by G.
Protein change: p.Tyr310Cys; replaces tyrosine 310 with cysteine.
Molecular consequence: missense variant. On other transcripts: 3 prime UTR variant (1).
Genome position (GRCh38, 1-based): chr17:44,075,931, A>G. VCF-style: chr17-44075931-A-G. GRCh37 (hg19) VCF-style: chr17-42153299-A-G.
Other names: c.*222A>G (NM_001319945.2); c.584A>G, p.Tyr195Cys (NM_001384165.1, NM_001384166.1, NM_001384167.1 and 1 more transcripts); short protein forms Y195C, Y310C.
Identifiers: ClinVar variation 3852371 (VCV003852371.1).

ClinVar aggregate classification (germline): Uncertain significance (1 of 4 stars; one submission).

Conditions:
Inborn genetic diseases. Identifiers: MedGen C0950123, MeSH D030342.

gnomAD v4.1: 1 of 1,613,270 alleles (0.000062%); highest among the groups gnomAD compares: Non-Finnish European, 0.000085%; no homozygotes.

Submission:

Ambry Genetics
Classification: Uncertain significance for Inborn genetic diseases. Last evaluated: 2025-02-15. Review status: criteria provided, single submitter. Criteria: Ambry Variant Classification Scheme 2023. Collection method: clinical testing. Allele origin: germline.
Comment: The p.Y310C variant (also known as c.929A>G), located in coding exon 6 of the G6PC3 gene, results from an A to G substitution at nucleotide position 929. The tyrosine at codon 310 is replaced by cysteine, an amino acid with highly dissimilar properties. This amino acid position is conserved. In addition, this alteration is predicted to be deleterious by in silico analysis. Based on the available evidence, the clinical significance of this variant remains unclear.